The following is an entry in ClinVar:

NM_000245.4(MET):c.1875A>G (p.Thr625=)

Gene: MET (MET proto-oncogene, receptor tyrosine kinase; plus strand). Cytogenetic location: 7q31.2.
Variant type: single nucleotide variant.
Coding change: c.1875A>G on transcript NM_000245.4 (MANE Select); coding-DNA position 1875, A replaced by G.
Protein change: p.Thr625=; no amino-acid change (threonine 625 retained).
Molecular consequence: synonymous variant.
Genome position (GRCh38, 1-based): chr7:116,757,449, A>G. VCF-style: chr7-116757449-A-G. GRCh37 (hg19) VCF-style: chr7-116397503-A-G.
Other names: c.1875A>G, p.Thr625= (NM_001127500.3, NM_001324401.3); c.585A>G, p.Thr195= (NM_001324402.2).
Identifiers: ClinVar variation 3773164 (VCV003773164.2).
Genomic context (GRCh38, chr7:116,757,449, plus strand): 5'-AAAATTCCTTGGATTTGTCATGTATTAAACTTTGGGTTTTTTTTCCAGATTGAAATGCAC[A>G]GTTGGTCCTGCCATGAATAAGCATTTCAATATGTCCATAATTATTTCAAATGGCCACGGG-3'
Protein context (NP_000236.2, residues 615-635): SESTMNTLKC[Thr625=]VGPAMNKHFN

ClinVar aggregate classification (germline): Benign/Likely benign. Review status: criteria provided, multiple submitters, no conflicts (2 of 4 stars). 2 submissions from 2 submitters: Benign (1); Likely benign (1). Last evaluated 2026-06-15.

Conditions:
Papillary renal cell carcinoma type 1 (RCCP1). Also called: RENAL CELL CARCINOMA, PAPILLARY, 1, SOMATIC; Renal adenocarcinoma; Renal cell carcinoma 1; Renal cell carcinoma, somatic. Identifiers: Orphanet 47044, MedGen C1336839, OMIM 605074, HP:0011797.
Hereditary cancer-predisposing syndrome. Also called: Tumor predisposition; Hereditary neoplastic syndrome; Hereditary Cancer Syndrome; Neoplastic Syndromes, Hereditary. Identifiers: Orphanet 140162, MedGen C0027672, MeSH D009386, MONDO:0015356.

Submissions (2):

Ambry Genetics
Classification: Likely benign for Hereditary cancer-predisposing syndrome. Last evaluated: 2026-06-15. Review status: criteria provided, single submitter. Criteria: Ambry Variant Classification Scheme 2023. Collection method: clinical testing. Allele origin: germline.

Myriad Genetics, Inc.
Classification: Benign for Papillary renal cell carcinoma type 1. Last evaluated: 2024-11-08. Review status: criteria provided, single submitter. Criteria: Myriad Autosomal Dominant, Autosomal Recessive and X-Linked Classification Criteria (2023). Collection method: clinical testing. Allele origin: unknown.
Comment: This variant is considered benign. This variant is a silent/synonymous amino acid change and it is not expected to impact splicing.